The following is an entry in ClinVar:

NM_000395.3(CSF2RB):c.1474G>A (p.Ala492Thr)

Gene: CSF2RB (colony stimulating factor 2 receptor subunit beta; plus strand). Cytogenetic location: 22q12.3.
Variant type: single nucleotide variant.
Coding change: c.1474G>A on transcript NM_000395.3 (MANE Select); coding-DNA position 1474, G replaced by A.
Protein change: p.Ala492Thr; replaces alanine 492 with threonine.
Molecular consequence: missense variant.
Genome position (GRCh38, 1-based): chr22:36,936,558, G>A. VCF-style: chr22-36936558-G-A. GRCh37 (hg19) VCF-style: chr22-37332600-G-A.
Other names: short protein forms A492T.
Identifiers: ClinVar variation 1473016 (VCV001473016.6), dbSNP rs764112211, ClinGen allele CA10213893.

ClinVar aggregate classification (germline): Uncertain significance (1 of 4 stars; one submission).

Allele frequency attached by ClinVar (database versions not stated): ExAC 0.00001; gnomAD 0.00001 and 0.00002; TOPMed 0.00003.
gnomAD v4.1: 27 of 1,612,784 alleles (0.0017%); highest among the groups gnomAD compares: Middle Eastern, 0.059%; no homozygotes.

Submission:

Labcorp Genetics (formerly Invitae), Labcorp
Classification: Uncertain significance. Last evaluated: 2025-12-01. Review status: criteria provided, single submitter. Criteria: Invitae Variant Classification Sherloc (09022015). Collection method: clinical testing. Allele origin: germline.
Comment: This sequence change replaces alanine, which is neutral and non-polar, with threonine, which is neutral and polar, at codon 492 of the CSF2RB protein (p.Ala492Thr). This variant is present in population databases (rs764112211, gnomAD 0.02%). This variant has not been reported in the literature in individuals affected with CSF2RB-related conditions. ClinVar contains an entry for this variant (Variation ID: 1473016). Invitae Evidence Modeling of protein sequence and biophysical properties (such as structural, functional, and spatial information, amino acid conservation, physicochemical variation, residue mobility, and thermodynamic stability) indicates that this missense variant is not expected to disrupt CSF2RB protein function with a negative predictive value of 80%. In summary, the available evidence is currently insufficient to determine the role of this variant in disease. Therefore, it has been classified as a Variant of Uncertain Significance.